The following is an entry in ClinVar:

ClinVar aggregate classification (germline): Pathogenic. Review status: criteria provided, multiple submitters, no conflicts (2 of 4 stars). 2 submissions from 2 submitters: Pathogenic (2). Last evaluated 2020-12-01.

Conditions:
Severe myoclonic epilepsy in infancy (DRVT). Also called: SEVERE MYOCLONIC EPILEPSY OF INFANCY; DEVELOPMENTAL AND EPILEPTIC ENCEPHALOPATHY 6A; Dravet syndrome; Epileptic encephalopathy, early infantile, 6 (Dravet syndrome); Severe Myoclonic Epilepsy in Infancy (SMEI). Identifiers: Orphanet 33069, MedGen C0751122, MONDO:0100135, OMIM 607208.
Early-infantile DEE. Also called: Ohtahara syndrome; Early infantile epileptic encephalopathy; Early infantile epileptic encephalopathy with suppression bursts. Identifiers: Orphanet 1934, MedGen C0393706, MONDO:0800491.

Submissions (2):

Pediatrics, MediClubGeorgia
Classification: Pathogenic for Severe myoclonic epilepsy in infancy. Last evaluated: 2020-12-01. Review status: criteria provided, single submitter. Criteria: ACMG Guidelines, 2015. Collection method: clinical testing. Allele origin: de novo. Inheritance: Autosomal dominant inheritance. Affected: yes. Observed: 1 variant allele, 1 heterozygote.
Comment: This sequence change creates a premature translational stop signal (p.Leu1315Glnfs*16) in the SCN1A gene. It is expected to result in an absent or disrupted protein product. This variant is not present in population databases (ExAC no frequency). Loss-of-function variants in SCN1A are known to be pathogenic.

Labcorp Genetics (formerly Invitae), Labcorp
Classification: Pathogenic for Early-infantile DEE. Last evaluated: 2019-03-31. Review status: criteria provided, single submitter. Criteria: Invitae Variant Classification Sherloc (09022015). Collection method: clinical testing. Allele origin: germline.
Comment: For these reasons, this variant has been classified as Pathogenic. Loss-of-function variants in SCN1A are known to be pathogenic (PMID: 17347258, 18930999). This variant has not been reported in the literature in individuals with SCN1A-related conditions. This variant is not present in population databases (ExAC no frequency). This sequence change creates a premature translational stop signal (p.Leu1315Glnfs*16) in the SCN1A gene. It is expected to result in an absent or disrupted protein product.

Literature cited by the submitters: PubMed 17347258 (cited by Pediatrics, MediClubGeorgia and Labcorp Genetics (formerly Invitae), Labcorp); PubMed 18930999 (cited by Labcorp Genetics (formerly Invitae), Labcorp).

NM_001165963.4(SCN1A):c.3944_3945del (p.Leu1315fs)

Genes: SCN1A (sodium voltage-gated channel alpha subunit 1; minus strand), LOC102724058 (uncharacterized LOC102724058; plus strand). Cytogenetic location: 2q24.3.
Variant type: Microsatellite.
Coding change: c.3944_3945del on transcript NM_001165963.4 (MANE Select); coding-DNA positions 3944 to 3945, 2 bases deleted (TC; older notation c.3944_3945delTC).
Protein change: p.Leu1315fs; shifts the reading frame from leucine 1315.
Molecular consequence: frameshift variant. On other transcripts: non-coding transcript variant (1).
Genome position (GRCh38, 1-based): chr2:166,009,776-166,009,777, GA deleted on the plus strand (TC on the coding strand, the reverse complement: SCN1A is on the minus strand); deleting any 2 consecutive bases within chr2:166,009,776-166,009,781 gives the same sequence; the c. name uses the placement nearest the transcript's 3' end. VCF-style (leftmost placement, unchanged base first): chr2-166009775-TGA-T. GRCh37 (hg19) VCF-style: chr2-166866285-TGA-T.
Other names: c.3860_3861del, p.Leu1287fs (NM_001165964.3, NM_001353957.2, NM_001353958.2); c.3944_3945del, p.Leu1315fs (NM_001202435.3, NM_001353948.2); c.3911_3912del, p.Leu1304fs (NM_001353949.2, NM_001353950.2, NM_001353951.2 and 2 more transcripts); c.3908_3909del, p.Leu1303fs (NM_001353954.2, NM_001353955.2); c.3857_3858del, p.Leu1286fs (NM_001353960.2); c.1502_1503del, p.Leu501fs (NM_001353961.2); short protein forms L1304fs, L1287fs, L1286fs, L1303fs, L1315fs, L501fs.
Identifiers: ClinVar variation 861279 (VCV000861279.11), dbSNP rs1692166604, ClinGen allele CA916082229.